The following is an entry in ClinVar:

NC_000023.10:g.(?_135080247)_(135126903_?)dup

Gene: SLC9A6 (solute carrier family 9 member A6; plus strand). Cytogenetic location: Xq26.3.
Variant type: Duplication.
Identifiers: ClinVar variation 2425583 (VCV002425583.4).

ClinVar aggregate classification (germline): Uncertain significance (1 of 4 stars; one submission).

Conditions:
Christianson syndrome (MRXSCH). Also called: INTELLECTUAL DEVELOPMENTAL DISORDER, X-LINKED, SYNDROMIC, CHRISTIANSON TYPE; X-linked mental retardation, syndromic, Christianson type; SLC9A6-Related Syndromic Mental Retardation. Identifiers: Orphanet 85278, MedGen C2678194, MONDO:0010278, OMIM 300243.

Submission:

Labcorp Genetics (formerly Invitae), Labcorp
Classification: Uncertain significance for Christianson syndrome. Last evaluated: 2020-11-05. Review status: criteria provided, single submitter. Criteria: Invitae Variant Classification Sherloc (09022015). Collection method: clinical testing. Allele origin: germline.
Comment: This variant results in a copy number gain of the genomic region encompassing exon(s) 3-16 of the SLC9A6 gene. The 5' boundary is likely confined to intron 2. The 3' end of this event is unknown as it extends beyond the assayed region for this gene and therefore may encompass additional genes. As the precise location of this event is unknown, it may be in tandem or it may be located elsewhere in the genome. This variant has not been reported in the literature in individuals with SLC9A6-related conditions. Experimental studies and prediction algorithms are not available or were not evaluated, and the functional significance of this variant is currently unknown. In summary, the available evidence is currently insufficient to determine the role of this variant in disease. Therefore, it has been classified as a Variant of Uncertain Significance.